The following is an entry in ClinVar:

NM_001754.5(RUNX1):c.711G>A (p.Arg237=)

Gene: RUNX1 (RUNX family transcription factor 1; minus strand). Cytogenetic location: 21q22.12.
Variant type: single nucleotide variant.
Coding change: c.711G>A on transcript NM_001754.5 (MANE Select); coding-DNA position 711, G replaced by A.
Protein change: p.Arg237=; no amino-acid change (arginine 237 retained).
Molecular consequence: synonymous variant.
Genome position (GRCh38, 1-based): chr21:34,834,504, C>T on the plus strand (G>A on the coding strand, the complement: RUNX1 is on the minus strand). VCF-style: chr21-34834504-C-T. GRCh37 (hg19) VCF-style: chr21-36206801-C-T.
Other names: NM_001754.5(RUNX1):c.711G>A; p.Arg237=; c.630G>A, p.Arg210= (NM_001001890.3, NM_001122607.2).
Identifiers: ClinVar variation 3711611 (VCV003711611.6).

ClinVar aggregate classification (germline): Likely benign. Review status: reviewed by expert panel (3 of 4 stars). 3 submissions from 3 submitters: Likely benign (1). 2 of the submissions do not count toward it. Last evaluated 2026-04-29.

Conditions:
Hereditary thrombocytopenia and hematologic cancer predisposition syndrome. Identifiers: Orphanet 71290, MedGen CN281654, MONDO:0011071.
Inborn genetic diseases. Identifiers: MedGen C0950123, MeSH D030342.
Hereditary thrombocytopenia and hematological cancer predisposition syndrome associated with RUNX1. Also called: Familial Platelet Disorder with Propensity to Acute Myelogenous Leukemia; Familial thrombocytopenia with propensity to acute myelogenous leukemia; PLATELET DISORDER, ASPIRIN-LIKE; RUNX1 Familial Platelet Disorder with Associated Myeloid Malignancies. Identifiers: Orphanet 71290, MedGen C1832388, MeSH C563324, MONDO:0100083, OMIM 601399.

gnomAD v4.1: 2 of 1,613,426 alleles (0.00012%); highest among the groups gnomAD compares: Admixed American, 0.0017%; no homozygotes.

Submissions (3):

ClinGen Myeloid Malignancy Variant Curation Expert Panel
Classification: Likely benign for Hereditary thrombocytopenia and hematologic cancer predisposition syndrome. Last evaluated: 2026-04-29. Review status: reviewed by expert panel. Criteria: ClinGen MyeloMalig ACMG Specifications V3.1. Collection method: curation. Allele origin: germline. Inheritance: Autosomal dominant inheritance.
Comment: NM_001754.5(RUNX1):c.711G>A (p.Arg237=) is a synonymous variant which has a SpliceAI score ≤ 0.20 (0.03) (BP4, BP7). This variant has a MAF ≤ 0.00005 in gnomAD v4 across all subpopulations with at least 20x coverage for RUNX1 (PM2_supporting). In summary, this variant meets criteria to be classified as likely benign. ACMG/AMP criteria applied, as specified by the Myeloid Malignancy Variant Curation Expert Panel for RUNX1: BP4, BP7, PM2_supporting.

Ambry Genetics
Classification: Likely benign for Inborn genetic diseases. Last evaluated: 2025-01-27. Review status: criteria provided, single submitter. Criteria: Ambry Variant Classification Scheme 2023. Collection method: clinical testing. Allele origin: germline. Not counted in ClinVar's aggregate classification.

Labcorp Genetics (formerly Invitae), Labcorp
Classification: Likely benign for Hereditary thrombocytopenia and hematological cancer predisposition syndrome associated with RUNX1. Last evaluated: 2024-10-22. Review status: criteria provided, single submitter. Criteria: Invitae Variant Classification Sherloc (09022015). Collection method: clinical testing. Allele origin: germline. Not counted in ClinVar's aggregate classification.